The following is an entry in ClinVar:

NM_017755.6(NSUN2):c.2210G>C (p.Arg737Thr)

Gene: NSUN2 (NOP2/Sun RNA methyltransferase 2; minus strand). Cytogenetic location: 5p15.31.
Variant type: single nucleotide variant.
Coding change: c.2210G>C on transcript NM_017755.6 (MANE Select); coding-DNA position 2210, G replaced by C.
Protein change: p.Arg737Thr; replaces arginine 737 with threonine.
Molecular consequence: missense variant. On other transcripts: non-coding transcript variant (1).
Genome position (GRCh38, 1-based): chr5:6,600,020, C>G on the plus strand (G>C on the coding strand, the complement: NSUN2 is on the minus strand). VCF-style: chr5-6600020-C-G. GRCh37 (hg19) VCF-style: chr5-6600133-C-G.
Other names: c.2105G>C, p.Arg702Thr (NM_001193455.2); short protein forms R737T, R702T.
Identifiers: ClinVar variation 2049957 (VCV002049957.2), dbSNP rs201189285, ClinGen allele CA3192152.

ClinVar aggregate classification (germline): Uncertain significance. Review status: criteria provided, multiple submitters, no conflicts (2 of 4 stars). 2 submissions from 2 submitters: Uncertain significance (2). Last evaluated 2022-05-27.

Conditions:
Inborn genetic diseases. Identifiers: MedGen C0950123, MeSH D030342.

Allele frequency attached by ClinVar (database versions not stated): ESP Exome Variant Server 0.00008; gnomAD 0.00011; TOPMed 0.00011; gnomAD exomes 0.00012; 1000 Genomes Project 30x 0.00016; ExAC 0.00016; 1000 Genomes Project 0.00020.
gnomAD v4.1: 186 of 1,614,270 alleles (0.012%); highest among the groups gnomAD compares: Non-Finnish European, 0.015%; no homozygotes.

Submissions (2):

Labcorp Genetics (formerly Invitae), Labcorp
Classification: Uncertain significance. Last evaluated: 2022-05-27. Review status: criteria provided, single submitter. Criteria: Invitae Variant Classification Sherloc (09022015). Collection method: clinical testing. Allele origin: germline.
Comment: This sequence change replaces arginine, which is basic and polar, with threonine, which is neutral and polar, at codon 737 of the NSUN2 protein (p.Arg737Thr). This variant is present in population databases (rs201189285, gnomAD 0.02%). This variant has not been reported in the literature in individuals affected with NSUN2-related conditions. Algorithms developed to predict the effect of missense changes on protein structure and function output the following: SIFT: "Tolerated"; PolyPhen-2: "Benign"; Align-GVGD: "Class C0". The threonine amino acid residue is found in multiple mammalian species, which suggests that this missense change does not adversely affect protein function. In summary, the available evidence is currently insufficient to determine the role of this variant in disease. Therefore, it has been classified as a Variant of Uncertain Significance.

Ambry Genetics
Classification: Uncertain significance for Inborn genetic diseases. Last evaluated: 2021-05-16. Review status: criteria provided, single submitter. Criteria: Ambry Variant Classification Scheme 2023. Collection method: clinical testing. Allele origin: germline.